The following is an entry in ClinVar:

ClinVar aggregate classification (germline): Uncertain significance (1 of 4 stars; one submission).

Conditions:
Osteogenesis imperfecta type I (OI1). Also called: OI, TYPE I; OSTEOGENESIS IMPERFECTA TARDA; OSTEOGENESIS IMPERFECTA WITH BLUE SCLERAE; Osteogenesis imperfecta type 1; Lobstein's Disease; Lobstein disease. Identifiers: Orphanet 216796, Orphanet 666, MedGen C0023931, MONDO:0008146, OMIM 166200. Disease mechanism: loss of function.

gnomAD v4.1: 1 of 1,606,932 alleles (0.000062%); no homozygotes.

Submission:

Labcorp Genetics (formerly Invitae), Labcorp
Classification: Uncertain significance for Osteogenesis imperfecta type I. Last evaluated: 2024-06-11. Review status: criteria provided, single submitter. Criteria: Invitae Variant Classification Sherloc (09022015). Collection method: clinical testing. Allele origin: germline.
Comment: This sequence change replaces proline, which is neutral and non-polar, with serine, which is neutral and polar, at codon 871 of the COL1A1 protein (p.Pro871Ser). This variant is not present in population databases (gnomAD no frequency). This variant has not been reported in the literature in individuals affected with COL1A1-related conditions. Experimental studies and prediction algorithms are not available or were not evaluated, and the functional significance of this variant is currently unknown. In summary, the available evidence is currently insufficient to determine the role of this variant in disease. Therefore, it has been classified as a Variant of Uncertain Significance.

NM_000088.4(COL1A1):c.2611C>T (p.Pro871Ser)

Gene: COL1A1 (collagen type I alpha 1 chain; minus strand). Cytogenetic location: 17q21.33.
Variant type: single nucleotide variant.
Coding change: c.2611C>T on transcript NM_000088.4 (MANE Select); coding-DNA position 2611, C replaced by T.
Protein change: p.Pro871Ser; replaces proline 871 with serine.
Molecular consequence: missense variant.
Genome position (GRCh38, 1-based): chr17:50,189,861, G>A on the plus strand (C>T on the coding strand, the complement: COL1A1 is on the minus strand). VCF-style: chr17-50189861-G-A. GRCh37 (hg19) VCF-style: chr17-48267222-G-A.
Other names: short protein forms P871S.
Identifiers: ClinVar variation 3712531 (VCV003712531.2).
Genomic context (GRCh38, chr17:50,189,861, plus strand): 5'-CTGCCACCGCTGCCTGGGGAGAGGGGAGAGGCTCAACAGAGAGGCGGGTGATACTCACAG[G>A]GGGACCAGCGCTGCCGCGAGCACCTTTGGCTCCAGGAGCACCAACATTACCCTGTAGGAG-3'
Protein context (NP_000079.2, residues 861-881): AKGARGSAGP[Pro871Ser]GATGFPGAAG